The following is an entry in ClinVar:

NM_000133.4(F9):c.786T>G (p.Ile262Met)

Gene: F9 (coagulation factor IX; plus strand). Cytogenetic location: Xq27.1.
Variant type: single nucleotide variant.
Coding change: c.786T>G on transcript NM_000133.4 (MANE Select); coding-DNA position 786, T replaced by G.
Protein change: p.Ile262Met; replaces isoleucine 262 with methionine.
Molecular consequence: missense variant.
Genome position (GRCh38, 1-based): chrX:139,560,803, T>G. VCF-style: chrX-139560803-T-G. GRCh37 (hg19) VCF-style: chrX-138642962-T-G.
Other names: c.672T>G, p.Ile224Met (NM_001313913.2); c.786T>G (NM_000133.3); short protein forms I224M, I262M.
Identifiers: ClinVar variation 1331027 (VCV001331027.9), dbSNP rs2148367254, ClinGen allele CA414443409.

ClinVar aggregate classification (germline): Conflicting classifications of pathogenicity. Review status: criteria provided, conflicting classifications (1 of 4 stars). 3 submissions from 3 submitters: Likely pathogenic (2); Uncertain significance (1). Last evaluated 2026-05-28.

Conditions:
F9-related disorder. Also called: F9-related condition.
Thrombophilia, X-linked, due to factor 9 defect. Identifiers: MedGen C2749016, MONDO:0010432, OMIM 300807.
Hereditary factor IX deficiency disease (HEMB). Also called: F9 DEFICIENCY; FACTOR IX DEFICIENCY; PLASMA THROMBOPLASTIN COMPONENT DEFICIENCY; Hemophilia B; Christmas Disease. Identifiers: Orphanet 98879, MedGen C0008533, MeSH D002836, MONDO:0010604, OMIM 306900.

Submissions (3):

PreventionGenetics, part of Exact Sciences
Classification: Likely pathogenic for F9-related condition. Last evaluated: 2026-05-28. Review status: criteria provided, single submitter. Criteria: ACMG Guidelines, 2015. Collection method: clinical testing. Allele origin: germline.
Comment: The F9 c.786T>G variant is predicted to result in the amino acid substitution p.Ile262Met. This variant, also described using legacy nomenclature as p.Ile216Met, has been reported in individuals with hemophilia B (Bottema et al. 1991. PubMed ID: 1680287; Li et al. 2014. PubMed ID: 24375831). Other missense substitutions at this codon (p.Ile262Phe and p.Ile262Thr) have been reported in individuals with hemophilia B (Belvini et al. 2005. PubMed ID: 15921378; Chen et al. 1991. PubMed ID: 2066105), suggesting that substitution of amino acid residue p.Ile262 is not tolerated. This variant has not been reported in a large population database (gnomAD), indicating this variant is rare. This variant is interpreted as likely pathogenic.

Labcorp Genetics (formerly Invitae), Labcorp
Classification: Uncertain significance for Thrombophilia, X-linked, due to factor 9 defect; Hereditary factor IX deficiency disease. Last evaluated: 2025-06-03. Review status: criteria provided, single submitter. Criteria: Invitae Variant Classification Sherloc (09022015). Collection method: clinical testing. Allele origin: germline.
Comment: This sequence change replaces isoleucine, which is neutral and non-polar, with methionine, which is neutral and non-polar, at codon 262 of the F9 protein (p.Ile262Met). This variant is not present in population databases (gnomAD no frequency). This missense change has been observed in individuals with F9-related conditions (PMID: 7937052, 24375831). ClinVar contains an entry for this variant (Variation ID: 1331027). Invitae Evidence Modeling of protein sequence and biophysical properties (such as structural, functional, and spatial information, amino acid conservation, physicochemical variation, residue mobility, and thermodynamic stability) indicates that this missense variant is not expected to disrupt F9 protein function with a negative predictive value of 80%. This variant disrupts the p.Ile262 amino acid residue in F9. Other variant(s) that disrupt this residue have been observed in individuals with F9-related conditions (PMID: 2066105, 15921378, 19699296), which suggests that this may be a clinically significant amino acid residue. In summary, the available evidence is currently insufficient to determine the role of this variant in disease. Therefore, it has been classified as a Variant of Uncertain Significance.

ARUP Laboratories, Molecular Genetics and Genomics, ARUP Laboratories
Classification: Likely pathogenic. Last evaluated: 2020-12-29. Review status: criteria provided, single submitter. Criteria: ARUP Molecular Germline Variant Investigation Process 2021. Collection method: clinical testing. Allele origin: germline.
Comment: The F9 c.786T>G; p.Ile262Met variant is reported in the literature in several individuals affected with mild to moderate hemophilia B (Li 2014, Factor IX database and references therein). Clotting activity in one patient with this variant was measured at 15% of normal activity (Factor IX database and references therein). This variant is absent from general population databases (Exome Variant Server, Genome Aggregation Database), indicating it is not a common polymorphism. The isoleucine at codon 262 is weakly conserved, and computational analyses are uncertain whether this variant is neutral or deleterious (REVEL: 0.666). However, other amino acid substitutions at this codon (p.Ile262Phe, p.Ile262Thr) have been reported in individuals with hemophilia B and are considered disease-causing (Factor IX database and references therein). Based on available information, the p.Ile262Met variant is considered to be likely pathogenic. References: Factor IX variant database: Li T et al. Mutation analysis of a cohort of US patients with hemophilia B. Am J Hematol. 2014 Apr;89(4):375-9.

Literature cited by the submitters: PubMed 7937052 (cited by Labcorp Genetics (formerly Invitae), Labcorp); PubMed 24375831 (cited by Labcorp Genetics (formerly Invitae), Labcorp); PubMed 2066105 (cited by Labcorp Genetics (formerly Invitae), Labcorp); PubMed 15921378 (cited by Labcorp Genetics (formerly Invitae), Labcorp); PubMed 19699296 (cited by Labcorp Genetics (formerly Invitae), Labcorp).